The following is an entry in ClinVar:

ClinVar aggregate classification (germline): Uncertain significance (1 of 4 stars; one submission).

Submission:

GeneDx
Classification: Uncertain significance. Last evaluated: 2023-06-08. Review status: criteria provided, single submitter. Criteria: GeneDx Variant Classification Process June 2021. Collection method: clinical testing. Allele origin: germline. Affected: yes.
Comment: Not observed at significant frequency in large population cohorts (gnomAD); In silico analysis supports that this missense variant does not alter protein structure/function; Has not been previously published as pathogenic or benign to our knowledge

NM_001042424.3(NSD2):c.142C>G (p.Leu48Val)

Gene: NSD2 (nuclear receptor binding SET domain protein 2; plus strand). Cytogenetic location: 4p16.3.
Variant type: single nucleotide variant.
Coding change: c.142C>G on transcript NM_001042424.3 (MANE Select); coding-DNA position 142, C replaced by G.
Protein change: p.Leu48Val; replaces leucine 48 with valine.
Molecular consequence: missense variant.
Genome position (GRCh38, 1-based): chr4:1,900,796, C>G. VCF-style: chr4-1900796-C-G. GRCh37 (hg19) VCF-style: chr4-1902523-C-G.
Other names: c.142C>G, p.Leu48Val (NM_007331.2, NM_133330.3, NM_133331.3 and 2 more transcripts); short protein forms L48V.
Identifiers: ClinVar variation 3359797 (VCV003359797.1).
Genomic context (GRCh38, chr4:1,900,796, plus strand): 5'-CTCGGCAGTGCCAACGGGAAGACTCCGAGCTGCGAGGTGAACCGCGAGTGTTCTGTGTTC[C>G]TCAGCAAAGCCCAGCTCTCCAGTAGCCTGCAGGAGGGGGTCATGCAGAAGTTTAACGGCC-3'
Protein context (NP_001035889.1, residues 38-58): CEVNRECSVF[Leu48Val]SKAQLSSSLQ